The following is an entry in ClinVar:

ClinVar aggregate classification (germline): Uncertain significance. Review status: criteria provided, multiple submitters, no conflicts (2 of 4 stars). 2 submissions from 2 submitters: Uncertain significance (2). Last evaluated 2024-04-18.

Conditions:
Familial adenomatous polyposis 1 (FAP1). Also called: FAMILIAL ADENOMATOUS POLYPOSIS 1, ATTENUATED; POLYPOSIS, ADENOMATOUS INTESTINAL. Identifiers: MedGen C2713442, MONDO:0021056, OMIM 175100. Disease mechanism: loss of function.
Hereditary cancer-predisposing syndrome. Also called: Hereditary Cancer Syndrome; Tumor predisposition; Hereditary neoplastic syndrome; Neoplastic Syndromes, Hereditary. Identifiers: Orphanet 140162, MedGen C0027672, MeSH D009386, MONDO:0015356.

Submissions (2):

Ambry Genetics
Classification: Uncertain significance for Hereditary cancer-predisposing syndrome. Last evaluated: 2024-04-18. Review status: criteria provided, single submitter. Criteria: Ambry Variant Classification Scheme 2023. Collection method: clinical testing. Allele origin: germline.
Comment: The p.S836L variant (also known as c.2507C>T), located in coding exon 15 of the APC gene, results from a C to T substitution at nucleotide position 2507. The serine at codon 836 is replaced by leucine, an amino acid with dissimilar properties. This amino acid position is conserved. In addition, in silico predictors for this gene do not accurately predict pathogenicity. Based on the available evidence, the clinical significance of this variant remains unclear.

Labcorp Genetics (formerly Invitae), Labcorp
Classification: Uncertain significance for Familial adenomatous polyposis 1. Last evaluated: 2018-10-16. Review status: criteria provided, single submitter. Criteria: Invitae Variant Classification Sherloc (09022015). Collection method: clinical testing. Allele origin: germline.
Comment: In summary, the available evidence is currently insufficient to determine the role of this variant in disease. Therefore, it has been classified as a Variant of Uncertain Significance. Algorithms developed to predict the effect of missense changes on protein structure and function are either unavailable or do not agree on the potential impact of this missense change (SIFT: "Tolerated"; PolyPhen-2: "Benign"; Align-GVGD: "Class C15"). This variant has not been reported in the literature in individuals with APC-related disease. This variant is not present in population databases (ExAC no frequency). This sequence change replaces serine with leucine at codon 836 of the APC protein (p.Ser836Leu). The serine residue is highly conserved and there is a large physicochemical difference between serine and leucine.

NM_000038.6(APC):c.2507C>T (p.Ser836Leu)

Gene: APC (APC regulator of Wnt signaling pathway; plus strand). Cytogenetic location: 5q22.2.
Variant type: single nucleotide variant.
Coding change: c.2507C>T on transcript NM_000038.6 (MANE Select); coding-DNA position 2507, C replaced by T.
Protein change: p.Ser836Leu; replaces serine 836 with leucine.
Molecular consequence: missense variant.
Genome position (GRCh38, 1-based): chr5:112,838,101, C>T. VCF-style: chr5-112838101-C-T. GRCh37 (hg19) VCF-style: chr5-112173798-C-T.
Other names: c.2507C>T, p.Ser836Leu (NM_001127510.3, NM_001354895.2); c.2453C>T, p.Ser818Leu (NM_001127511.3); c.2561C>T, p.Ser854Leu (NM_001354896.2); c.2537C>T, p.Ser846Leu (NM_001354897.2); c.2432C>T, p.Ser811Leu (NM_001354898.2); c.2423C>T, p.Ser808Leu (NM_001354899.2); c.2384C>T, p.Ser795Leu (NM_001354900.2); c.2330C>T, p.Ser777Leu (NM_001354901.2); and 5 more; short protein forms S553L, S745L, S676L, S735L, S795L, S811L, S854L, S710L.
Identifiers: ClinVar variation 646268 (VCV000646268.11), dbSNP rs1580623270, ClinGen allele CA16026828.